The following is an entry in ClinVar:

NM_001267550.2(TTN):c.18788del (p.Pro6263fs)

Genes: TTN (titin; minus strand), LOC126806430 (BRD4-independent group 4 enhancer GRCh37_chr2:179593794-179594993; plus strand). Cytogenetic location: 2q31.2.
Variant type: Deletion.
Coding change: c.18788del on transcript NM_001267550.2 (MANE Select); coding-DNA position 18788, one base deleted (C; older notation c.18788delC).
Protein change: p.Pro6263fs; shifts the reading frame from proline 6263.
Molecular consequence: frameshift variant. On other transcripts: intron variant (3).
Genome position (GRCh38, 1-based): chr2:178,729,368, G deleted on the plus strand (C on the coding strand, the reverse complement: TTN is on the minus strand); the first of 3 consecutive G bases (chr2:178,729,368-178,729,370); deleting any one gives the same sequence. VCF-style (leftmost placement, unchanged base first): chr2-178729367-AG-A. GRCh37 (hg19) VCF-style: chr2-179594094-AG-A.
Other names: c.17837del, p.Pro5946fs (NM_001256850.1); c.15056del, p.Pro5019fs (NM_133378.4); c.13282+8714del (NM_003319.4); c.13858+8714del (NM_133437.4); c.13657+8714del (NM_133432.3); short protein forms P6263fs, P5019fs, P5946fs.
Identifiers: ClinVar variation 4785830 (VCV004785830.1).
Genomic context (GRCh38, chr2:178,729,367, plus strand): 5'-ACTGCATGAGCAGCTGCCGCCTTCATTGGATACAATGCACTGGTATTCCCCAGTGTCTGA[AG>A]GGTCACACTTGGTTATATGGAGGTTAAACACAGACACTCTGTCGGTCAATGTGTATTTTT-3'

ClinVar aggregate classification (germline): Likely pathogenic (1 of 4 stars; one submission).

Conditions:
Autosomal recessive limb-girdle muscular dystrophy type 2J (LGMDR10). Also called: Limb-girdle muscular dystrophy, type 2J; MUSCULAR DYSTROPHY, LIMB-GIRDLE, AUTOSOMAL RECESSIVE 10. Identifiers: Orphanet 140922, MedGen C1837342, MONDO:0012127, OMIM 608807.
Dilated cardiomyopathy 1G (CMD1G). Identifiers: Orphanet 154, MedGen C1858763, MONDO:0011400, OMIM 604145.

Submission:

Labcorp Genetics (formerly Invitae), Labcorp
Classification: Likely pathogenic for Dilated cardiomyopathy 1G; Autosomal recessive limb-girdle muscular dystrophy type 2J. Last evaluated: 2025-08-10. Review status: criteria provided, single submitter. Criteria: Invitae Variant Classification Sherloc (09022015). Collection method: clinical testing. Allele origin: germline.
Comment: This sequence change creates a premature translational stop signal (p.Pro6263Leufs*26) in the TTN gene. While this is not anticipated to result in nonsense mediated decay, it is expected to create a truncated TTN protein. This variant is not present in population databases (gnomAD no frequency). This variant has not been reported in the literature in individuals affected with TTN-related conditions. This variant is located in the I band of TTN (PMID: 25589632). Truncating variants in this region have been reported in individuals affected with autosomal recessive centronuclear myopathy (PMID: 23975875, internal data). Truncating variants in this region have also been identified in individuals affected with autosomal dominant dilated cardiomyopathy and/or cardio-related conditions (PMID: 27869827, 32964742, internal data). In summary, the currently available evidence indicates that the variant is pathogenic, but additional data are needed to prove that conclusively. Therefore, this variant has been classified as Likely Pathogenic.

Literature cited by the submitters: PubMed 25589632; PubMed 23975875; PubMed 27869827; PubMed 32964742.